The following is an entry in ClinVar:

NM_001458.5(FLNC):c.2426TGG[1] (p.Val810del)

Gene: FLNC (filamin C; plus strand). Cytogenetic location: 7q32.1.
Variant type: Microsatellite.
Coding change: c.2426TGG[1] on transcript NM_001458.5 (MANE Select); one copy of the 3-base unit TGG starting at c.2426; the reference has two copies in a row; one copy, 3 bases deleted; also written c.2429_2431del.
Protein change: p.Val810del; deletes valine 810.
Molecular consequence: inframe deletion.
Genome position (GRCh38, 1-based): chr7:128,842,833-128,842,835, TGG deleted; deleting any 3 consecutive bases within chr7:128,842,829-128,842,835 gives the same sequence; the position shown is the placement nearest the transcript's 3' end. VCF-style (leftmost placement, unchanged base first): chr7-128842828-CGTG-C. GRCh37 (hg19) VCF-style: chr7-128482882-CGTG-C.
Other names: c.2429_2431del (NM_001458.4); c.2426TGG[1], p.Val810del (NM_001127487.2); short protein forms V810del.
Identifiers: ClinVar variation 639781 (VCV000639781.9), dbSNP rs1585157919, ClinGen allele CA915945522.

ClinVar aggregate classification (germline): Uncertain significance (1 of 4 stars; one submission).

Conditions:
Myofibrillar myopathy 5. Also called: FILAMINOPATHY, AUTOSOMAL DOMINANT; Filaminopathy (type). Identifiers: Orphanet 171445, MedGen C1836050, MONDO:0012289, OMIM 609524.
Distal myopathy with posterior leg and anterior hand involvement. Also called: WILLIAMS DISTAL MYOPATHY. Identifiers: Orphanet 63273, MedGen C3279722, MONDO:0013550, OMIM 614065.
Hypertrophic cardiomyopathy 26. Also called: Cardiomyopathy, familial hypertrophic, 26. Identifiers: Orphanet 75249, MedGen C4310749, MONDO:0014883, OMIM 617047.

Submission:

Labcorp Genetics (formerly Invitae), Labcorp
Classification: Uncertain significance for Distal myopathy with posterior leg and anterior hand involvement; Myofibrillar myopathy 5; Hypertrophic cardiomyopathy 26. Last evaluated: 2022-03-09. Review status: criteria provided, single submitter. Criteria: Invitae Variant Classification Sherloc (09022015). Collection method: clinical testing. Allele origin: germline.
Comment: In summary, the available evidence is currently insufficient to determine the role of this variant in disease. Therefore, it has been classified as a Variant of Uncertain Significance. This variant, c.2429_2431del, results in the deletion of 1 amino acid(s) of the FLNC protein (p.Val810del), but otherwise preserves the integrity of the reading frame. This variant is not present in population databases (gnomAD no frequency). This variant has not been reported in the literature in individuals affected with FLNC-related conditions. ClinVar contains an entry for this variant (Variation ID: 639781). Experimental studies and prediction algorithms are not available or were not evaluated, and the functional significance of this variant is currently unknown.